The following is an entry in ClinVar:

ClinVar aggregate classification (germline): Benign (0 of 4 stars; one submission).

Conditions:
CDH4-related disorder. Also called: CDH4-related condition.

Allele frequency attached by ClinVar (database versions not stated): ESP Exome Variant Server 0.44802; TOPMed 0.47928; gnomAD 0.49063; gnomAD exomes 0.53593; 1000 Genomes Project 30x 0.55512; 1000 Genomes Project 0.56729; ExAC 0.57242.
gnomAD v4.1: 855,865 of 1,610,020 alleles (53%); highest among the groups gnomAD compares: East Asian, 86%; 234,382 homozygotes.

Submission:

PreventionGenetics, part of Exact Sciences
Classification: Benign for CDH4-related condition. Last evaluated: 2019-10-17. Review status: no assertion criteria provided. Collection method: clinical testing. Allele origin: germline.
Comment: This variant is classified as benign based on ACMG/AMP sequence variant interpretation guidelines (Richards et al. 2015 PMID: 25741868, with internal and published modifications).

NM_001794.5(CDH4):c.1874A>G (p.Lys625Arg)

Gene: CDH4 (cadherin 4; plus strand). Cytogenetic location: 20q13.33.
Variant type: single nucleotide variant.
Coding change: c.1874A>G on transcript NM_001794.5 (MANE Select); coding-DNA position 1874, A replaced by G.
Protein change: p.Lys625Arg; replaces lysine 625 with arginine.
Molecular consequence: missense variant.
Genome position (GRCh38, 1-based): chr20:61,928,292, A>G. VCF-style: chr20-61928292-A-G. GRCh37 (hg19) VCF-style: chr20-60503350-A-G.
Other names: c.1763A>G, p.Lys588Arg (NM_001252338.2); c.1652A>G, p.Lys551Arg (NM_001252339.3); short protein forms K551R, K588R, K625R.
Identifiers: ClinVar variation 3060356 (VCV003060356.2), dbSNP rs6142884, ClinGen allele CA9934893.